The following is an entry in ClinVar:

NM_001317778.2(SFTPC):c.481C>T (p.Arg161Ter)

Gene: SFTPC (surfactant protein C; plus strand). Cytogenetic location: 8p21.3.
Variant type: single nucleotide variant.
Coding change: c.481C>T on transcript NM_001317778.2 (MANE Select); coding-DNA position 481, C replaced by T.
Protein change: p.Arg161Ter; replaces arginine 161 with a stop codon.
Molecular consequence: nonsense.
Genome position (GRCh38, 1-based): chr8:22,163,946, C>T. VCF-style: chr8-22163946-C-T. GRCh37 (hg19) VCF-style: chr8-22021459-C-T.
Other names: c.481C>T, p.Arg161Ter (NM_001172357.2, NM_001317780.2, NM_001385656.1 and 3 more transcripts); c.499C>T, p.Arg167Ter (NM_001172410.2, NM_001385653.1, NM_001385654.1 and 2 more transcripts); c.340C>T, p.Arg114Ter (NM_001317779.2, NM_001385660.1); short protein forms R114*, R161*, R167*.
Identifiers: ClinVar variation 3235892 (VCV003235892.1), dbSNP rs1209953579, ClinGen allele CA370538319.

ClinVar aggregate classification (germline): Likely pathogenic (1 of 4 stars; one submission).

Conditions:
Surfactant metabolism dysfunction, pulmonary, 2 (SMDP2). Also called: DESQUAMATIVE INTERSTITIAL PNEUMONITIS DUE TO SURFACTANT PROTEIN C DEFICIENCY; INTERSTITIAL LUNG DISEASE DUE TO SURFACTANT PROTEIN C DEFICIENCY; PULMONARY ALVEOLAR PROTEINOSIS, CONGENITAL, 2. Identifiers: Orphanet 440392, MedGen C1970470, MONDO:0024465, OMIM 610913.

gnomAD v4.1: 5 of 1,613,558 alleles (0.00031%); highest among the groups gnomAD compares: East Asian, 0.0067%; no homozygotes.

Submission:

New York Genome Center
Classification: Likely pathogenic for Surfactant metabolism dysfunction, pulmonary, 2. Last evaluated: 2021-10-22. Review status: criteria provided, single submitter. Criteria: NYGC Assertion Criteria 2020. Collection method: clinical testing. Allele origin: inherited. Observed: 1 heterozygote. Study: PrenatalSEQ.
Comment: The c.481C>T p.(Arg161Ter) variant identified in SFTPC has not previously been reported in the literature or public variant repositories (ClinVar and LOVD), and is observed in two alleles across population databases (gnomAD v2.1.1 and v3.1.1, TOPMed Freeze 5 suggesting it is not a common benign variant in the populations represented in those databases. The c.481C>T variant is located in the last translated exon that is part of the BRICHOS domain and predicted to result in a truncated protein devoid of the last ~30 amino acids (>10% of the total protein length) by incorporating a premature termination codon in all encoded transcripts. Both missense variants in the downstream residues and frameshift variants disrupting the last translated exon have been reported in individuals with interstitial lung disease (PMID:11991887, 19443464, 22308375). Functional studies have shown the importance of the residues in the C-terminal BRICHOS domain in proper folding and intracellular trafficking of the proprotein (PMID:23701443). Based on the available evidence this inherited c.481C>T variant is classified here as Likely pathogenic.